The following is an entry in ClinVar:

ClinVar aggregate classification (germline): Pathogenic (1 of 4 stars; one submission).

Conditions:
Dias-Logan syndrome. Also called: Intellectual developmental disorder with persistence of fetal hemoglobin; INTELLECTUAL DEVELOPMENTAL DISORDER WITH HEREDITARY PERSISTENCE OF FETAL HEMOGLOBIN. Identifiers: Orphanet 619233, MedGen C4310833, MONDO:0014914, OMIM 617101.

Submission:

Victorian Clinical Genetics Services, Murdoch Childrens Research Institute
Classification: Pathogenic for Dias-Logan syndrome. Last evaluated: 2024-10-21. Review status: criteria provided, single submitter. Criteria: ACMG Guidelines, 2015. Collection method: clinical testing. Allele origin: germline. Affected: yes.
Comment: This variant is classified as Pathogenic. Evidence in support of pathogenic classification: Splice site variant proven to affect splicing of the transcript with a known effect on protein sequence. RNA-seq performed on a blood sample from this individual showed abolishment of canonical exon 2-3 splicing. In addition, 98% of allelic transcripts showed intron 2 retention, leading to p.(Asp129Glyfs*3), which is expected to undergo nonsense-mediated decay. (Splicing Diagnostics, Kids Neuroscience Centre, NSW, Australia); Variant is absent from gnomAD (v2, v3 and v4); Other NMD-predicted variant(s) comparable to the one identified in this case have very strong previous evidence for pathogenicity (DECIPHER); Additional information: This variant is heterozygous; This gene is associated with autosomal dominant disease; This variant has no previous evidence of pathogenicity; No published segregation evidence has been identified for this variant; No published functional evidence has been identified for this variant; In silico predictions for abnormal splicing are conflicting; Loss of function is a known mechanism of disease in this gene and is associated with Dias-Logan syndrome (MIM#617101).

NM_022893.4(BCL11A):c.384A>G (p.Ala128=)

Gene: BCL11A (BCL11 transcription factor A; minus strand). Cytogenetic location: 2p16.1.
Variant type: single nucleotide variant.
Coding change: c.384A>G on transcript NM_022893.4 (MANE Select); coding-DNA position 384, A replaced by G.
Protein change: p.Ala128=; no amino-acid change (alanine 128 retained).
Molecular consequence: synonymous variant. On other transcripts: 5 prime UTR variant (7).
Genome position (GRCh38, 1-based): chr2:60,545,972, T>C on the plus strand (A>G on the coding strand, the complement: BCL11A is on the minus strand). VCF-style: chr2-60545972-T-C. GRCh37 (hg19) VCF-style: chr2-60773107-T-C.
Other names: c.384A>G, p.Ala128= (NM_001363864.1, NM_001365609.1, NM_001405708.1 and 10 more transcripts); c.228A>G, p.Ala76= (NM_001405713.1, NM_001405714.1, NM_001405715.1 and 10 more transcripts); c.-42A>G (NM_001405720.1, NM_001405721.1); c.-292A>G (NM_001405725.1, NM_001405726.1, NM_001405731.1); c.-149A>G (NM_001405727.1, NM_001405728.1).
Identifiers: ClinVar variation 3255198 (VCV003255198.3), dbSNP rs2467277992.
Genomic context (GRCh38, chr2:60,545,972, plus strand): 5'-GCACCTCTGAAAATGAAAAGAAAACATGCAAACAGCTTTTCTCCTTGCTTCTCATTTACC[T>C]GCTATGTGTTCCTGTTTGGGGCAAATTCCTCTAGATGACGTTGATAAACAATCGTCATCC-3'
Protein context (NP_075044.2, residues 118-138): RGICPKQEHI[Ala128=]DKLLHWRGLS